The following is an entry in ClinVar:

NM_138409.4(MRAP2):c.169G>A (p.Val57Met)

Gene: MRAP2 (melanocortin 2 receptor accessory protein 2; plus strand). Cytogenetic location: 6q14.2.
Variant type: single nucleotide variant.
Coding change: c.169G>A on transcript NM_138409.4 (MANE Select); coding-DNA position 169, G replaced by A.
Protein change: p.Val57Met; replaces valine 57 with methionine.
Molecular consequence: missense variant. On other transcripts: 5 prime UTR variant (1), intron variant (1).
Genome position (GRCh38, 1-based): chr6:84,062,934, G>A. VCF-style: chr6-84062934-G-A. GRCh37 (hg19) VCF-style: chr6-84772653-G-A.
Other names: c.169G>A, p.Val57Met (NM_001346542.2, NM_001346544.2); c.-91G>A (NM_001346543.2); c.-32+7489G>A (NM_001346541.2); short protein forms V57M.
Identifiers: ClinVar variation 4986603 (VCV004986603.1).
Genomic context (GRCh38, chr6:84,062,934, plus strand): 5'-AGAATTAACTGTCTTTCAGATTCCATTGTGATTGGATTTTGGGTTGGTCTTGCAGTCTTC[G>A]TGATTTTTATGTTTTTTGTGCTGACCTTGCTGACCAAGACAGGAGCCCCACACCAAGAGT-3'
Protein context (NP_612418.2, residues 47-67): IGFWVGLAVF[Val57Met]IFMFFVLTLL

ClinVar aggregate classification (germline): Likely benign (1 of 4 stars; one submission).

Conditions:
MRAP2-related disorder. Also called: MRAP2-related condition.

gnomAD v4.1: 89 of 1,614,004 alleles (0.0055%); highest among the groups gnomAD compares: South Asian, 0.058%; no homozygotes.

Submission:

PreventionGenetics, part of Exact Sciences
Classification: Likely benign for MRAP2-related condition. Last evaluated: 2026-03-02. Review status: criteria provided, single submitter. Criteria: ACMG Guidelines, 2015. Collection method: clinical testing. Allele origin: germline.
Comment: This variant is classified as likely benign based on ACMG/AMP sequence variant interpretation guidelines (Richards et al. 2015 PMID: 25741868, with internal and published modifications).